The following is an entry in ClinVar:

NM_007194.4(CHEK2):c.743T>C (p.Ile248Thr)

Gene: CHEK2 (checkpoint kinase 2; minus strand). Cytogenetic location: 22q12.1.
Variant type: single nucleotide variant.
Coding change: c.743T>C on transcript NM_007194.4 (MANE Select); coding-DNA position 743, T replaced by C.
Protein change: p.Ile248Thr; replaces isoleucine 248 with threonine.
Molecular consequence: missense variant.
Genome position (GRCh38, 1-based): chr22:28,711,958, A>G on the plus strand (T>C on the coding strand, the complement: CHEK2 is on the minus strand). VCF-style: chr22-28711958-A-G. GRCh37 (hg19) VCF-style: chr22-29107946-A-G.
Other names: c.872T>C, p.Ile291Thr (NM_001005735.3); c.80T>C, p.Ile27Thr (NM_001257387.3); c.542T>C, p.Ile181Thr (NM_001349956.3); c.743T>C, p.Ile248Thr (NM_145862.3); short protein forms I181T, I248T, I27T, I291T.
Identifiers: ClinVar variation 1180450 (VCV001180450.33), dbSNP rs2053411134, ClinGen allele CA411103252.

ClinVar aggregate classification (germline): Uncertain significance. Review status: criteria provided, multiple submitters, no conflicts (2 of 4 stars). 4 submissions from 4 submitters: Uncertain significance (4). Last evaluated 2025-07-20.

Conditions:
Hereditary cancer-predisposing syndrome. Also called: Hereditary neoplastic syndrome; Hereditary Cancer Syndrome; Neoplastic Syndromes, Hereditary; Tumor predisposition. Identifiers: Orphanet 140162, MedGen C0027672, MeSH D009386, MONDO:0015356.
Familial cancer of breast. Also called: BREAST CANCER, FAMILIAL; hereditary breast carcinoma; Hereditary breast cancer. Identifiers: Orphanet 227535, MedGen C0346153, MONDO:0016419, OMIM 114480. Disease mechanism: loss of function.

Submissions (4):

Ambry Genetics
Classification: Uncertain significance for Hereditary cancer-predisposing syndrome. Last evaluated: 2025-07-20. Review status: criteria provided, single submitter. Criteria: Ambry Variant Classification Scheme 2023. Collection method: clinical testing. Allele origin: germline.
Comment: The p.I248T variant (also known as c.743T>C), located in coding exon 5 of the CHEK2 gene, results from a T to C substitution at nucleotide position 743. The isoleucine at codon 248 is replaced by threonine, an amino acid with similar properties. This amino acid position is not well conserved in available vertebrate species. In addition, the in silico prediction for this alteration is inconclusive. Since supporting evidence is limited at this time, the clinical significance of this alteration remains unclear.

Labcorp Genetics (formerly Invitae), Labcorp
Classification: Uncertain significance for Familial cancer of breast. Last evaluated: 2025-04-27. Review status: criteria provided, single submitter. Criteria: Invitae Variant Classification Sherloc (09022015). Collection method: clinical testing. Allele origin: germline.
Comment: This sequence change replaces isoleucine, which is neutral and non-polar, with threonine, which is neutral and polar, at codon 248 of the CHEK2 protein (p.Ile248Thr). This variant is not present in population databases (gnomAD no frequency). This variant has not been reported in the literature in individuals affected with CHEK2-related conditions. ClinVar contains an entry for this variant (Variation ID: 1180450). An algorithm developed to predict the effect of missense changes on protein structure and function (PolyPhen-2) suggests that this variant is likely to be disruptive. In summary, the available evidence is currently insufficient to determine the role of this variant in disease. Therefore, it has been classified as a Variant of Uncertain Significance.

CeGaT Center for Human Genetics Tuebingen
Classification: Uncertain significance. Last evaluated: 2024-04-01. Review status: criteria provided, single submitter. Criteria: CeGaT Center For Human Genetics Tuebingen Variant Classification Criteria Version 2. Collection method: clinical testing. Allele origin: germline. Affected: yes. Observed: 1 variant allele.
Comment: CHEK2: PM2, BP1

Institute of Human Genetics, University of Goettingen
Classification: Uncertain significance for Familial cancer of breast. Last evaluated: 2021-07-19. Review status: criteria provided, single submitter. Criteria: ACMG Guidelines, 2015. Collection method: clinical testing. Allele origin: unknown. Inheritance: Autosomal dominant inheritance. Observed: 1 variant allele, 1 heterozygote.
Comment: The variant c.743T>C (p.(Ile248Thr)) in exon 6 of the CHEK2-gene is not found in the gnomAD database, it affects a moderately conserved nucleotide a weakly conserved amino acid and there is a moderate physicochemical difference between Ile and Thr. This variant has a pathogenic computational verdict based on 11 pathogenic predictions from BayesDel_addAF, DANN, EIGEN, FATHMM-MKL, LIST-S2, M-CAP, MVP, MutationAssessor, MutationTaster, PolyPhen-2 and SIFT vs 2 benign predictions from DEOGEN2 and PrimateAI. ACMG criteria used for classification: PM2, PP3.